The following is an entry in ClinVar:

NM_001366145.2(TRPM3):c.4919C>T (p.Thr1640Ile)

Genes: KLF9-DT (KLF9 divergent transcript; plus strand), TRPM3 (transient receptor potential cation channel subfamily M member 3; minus strand). Cytogenetic location: 9q21.12.
Variant type: single nucleotide variant.
Coding change: c.4919C>T on transcript NM_001366145.2 (MANE Select); coding-DNA position 4919, C replaced by T.
Protein change: p.Thr1640Ile; replaces threonine 1640 with isoleucine.
Molecular consequence: missense variant. On other transcripts: intron variant (8).
Genome position (GRCh38, 1-based): chr9:70,536,194, G>A on the plus strand (C>T on the coding strand, the complement: TRPM3 is on the minus strand). VCF-style: chr9-70536194-G-A. GRCh37 (hg19) VCF-style: chr9-73151110-G-A.
Other names: c.4883C>T, p.Thr1628Ile (NM_001007471.4); c.4889C>T, p.Thr1630Ile (NM_001366141.2, NM_001366149.2); c.4994C>T, p.Thr1665Ile (NM_001366147.2); c.4424C>T, p.Thr1475Ile (NM_020952.6); c.4460C>T, p.Thr1487Ile (NM_024971.7); c.4394C>T, p.Thr1465Ile (NM_206944.5); c.4430C>T, p.Thr1477Ile (NM_206945.5); c.4499C>T, p.Thr1500Ile (NM_206946.5); and 9 more; short protein forms T1465I, T1475I, T1477I, T1487I, T1490I, T1500I, T1628I, T1630I.
Identifiers: ClinVar variation 3039489 (VCV003039489.2), dbSNP rs13440436, ClinGen allele CA5077720.

ClinVar aggregate classification (germline): Benign (0 of 4 stars; one submission).

Conditions:
TRPM3-related disorder. Also called: TRPM3-related condition.

Allele frequency attached by ClinVar (database versions not stated): gnomAD exomes 0.00102; ExAC 0.00348; 1000 Genomes Project 0.01018; 1000 Genomes Project 30x 0.01109; gnomAD 0.01122; TOPMed 0.01283; ESP Exome Variant Server 0.01315.
gnomAD v4.1: 3,269 of 1,614,230 alleles (0.2%); highest among the groups gnomAD compares: African/African-American, 3.8%; 64 homozygotes.

Submission:

PreventionGenetics, part of Exact Sciences
Classification: Benign for TRPM3-related condition. Last evaluated: 2019-04-04. Review status: no assertion criteria provided. Collection method: clinical testing. Allele origin: germline.
Comment: This variant is classified as benign based on ACMG/AMP sequence variant interpretation guidelines (Richards et al. 2015 PMID: 25741868, with internal and published modifications).